The following is an entry in ClinVar:

NM_000548.5(TSC2):c.4967A>G (p.Asp1656Gly)

Gene: TSC2 (TSC complex subunit 2; plus strand). Cytogenetic location: 16p13.3.
Variant type: single nucleotide variant.
Coding change: c.4967A>G on transcript NM_000548.5 (MANE Select); coding-DNA position 4967, A replaced by G.
Protein change: p.Asp1656Gly; replaces aspartic acid 1656 with glycine.
Molecular consequence: missense variant.
Genome position (GRCh38, 1-based): chr16:2,086,849, A>G. VCF-style: chr16-2086849-A-G. GRCh37 (hg19) VCF-style: chr16-2136850-A-G.
Other names: c.4766A>G, p.Asp1589Gly (NM_001077183.3); c.4898A>G, p.Asp1633Gly (NM_001114382.3); c.4658A>G, p.Asp1553Gly (NM_001318827.2); c.4622A>G, p.Asp1541Gly (NM_001318829.2); c.4235A>G, p.Asp1412Gly (NM_001318831.2); c.4799A>G, p.Asp1600Gly (NM_001318832.2); c.4769A>G, p.Asp1590Gly (NM_001363528.2); c.4835A>G, p.Asp1612Gly (NM_001370404.1); and 1 more; short protein forms D1656G, D1600G, D1633G, D1553G, D1590G, D1412G, D1589G, D1612G.
Identifiers: ClinVar variation 572000 (VCV000572000.13), dbSNP rs1567124767, ClinGen allele CA394309038.

ClinVar aggregate classification (germline): Uncertain significance. Review status: criteria provided, multiple submitters, no conflicts (2 of 4 stars). 3 submissions from 3 submitters: Uncertain significance (3). Last evaluated 2026-01-14.

Conditions:
Tuberous sclerosis 2 (TSC2). Identifiers: Orphanet 805, MedGen C1860707, MONDO:0013199, OMIM 613254.
Hereditary cancer-predisposing syndrome. Also called: Hereditary Cancer Syndrome; Neoplastic Syndromes, Hereditary; Tumor predisposition; Hereditary neoplastic syndrome. Identifiers: Orphanet 140162, MedGen C0027672, MeSH D009386, MONDO:0015356.
Lymphangiomyomatosis (LAM). Also called: Lymphangioleiomyomatosis; Lymphangioleiomyomatosis, somatic. Identifiers: Orphanet 538, MedGen C0751674, MONDO:0011705, OMIM 606690.
Isolated focal cortical dysplasia type II (FCORD2). Also called: Focal cortical dysplasia type II; CORTICAL DYSPLASIA OF TAYLOR. Identifiers: Orphanet 268994, MedGen C1846385, MONDO:0011818, OMIM 607341, HP:0032051.

Submissions (3):

Ambry Genetics
Classification: Uncertain significance for Hereditary cancer-predisposing syndrome. Last evaluated: 2026-01-14. Review status: criteria provided, single submitter. Criteria: Ambry Variant Classification Scheme 2023. Collection method: clinical testing. Allele origin: germline.

Labcorp Genetics (formerly Invitae), Labcorp
Classification: Uncertain significance for Tuberous sclerosis 2. Last evaluated: 2025-09-23. Review status: criteria provided, single submitter. Criteria: Invitae Variant Classification Sherloc (09022015). Collection method: clinical testing. Allele origin: germline.
Comment: This sequence change replaces aspartic acid, which is acidic and polar, with glycine, which is neutral and non-polar, at codon 1656 of the TSC2 protein (p.Asp1656Gly). This variant is not present in population databases (gnomAD no frequency). This variant has not been reported in the literature in individuals affected with TSC2-related conditions. ClinVar contains an entry for this variant (Variation ID: 572000). Invitae Evidence Modeling of protein sequence and biophysical properties (such as structural, functional, and spatial information, amino acid conservation, physicochemical variation, residue mobility, and thermodynamic stability) indicates that this missense variant is not expected to disrupt TSC2 protein function with a negative predictive value of 95%. In summary, the available evidence is currently insufficient to determine the role of this variant in disease. Therefore, it has been classified as a Variant of Uncertain Significance.

Juno Genomics, Hangzhou Juno Genomics, Inc
Classification: Uncertain significance for Tuberous sclerosis 2; Isolated focal cortical dysplasia type II; Lymphangiomyomatosis. Review status: criteria provided, single submitter. Criteria: ACMG Guidelines, 2015. Collection method: clinical testing. Allele origin: germline.
Comment: Absent from controls (or at extremely low frequency if recessive) in Genome Aggregation Database.;Multiple lines of computational evidence support a deleterious effect on the gene or gene product.